The following is an entry in ClinVar:

NM_022124.6(CDH23):c.2149A>G (p.Thr717Ala)

Gene: CDH23 (cadherin related 23; plus strand). Cytogenetic location: 10q22.1.
Variant type: single nucleotide variant.
Coding change: c.2149A>G on transcript NM_022124.6 (MANE Select); coding-DNA position 2149, A replaced by G.
Protein change: p.Thr717Ala; replaces threonine 717 with alanine.
Molecular consequence: missense variant.
Genome position (GRCh38, 1-based): chr10:71,690,557, A>G. VCF-style: chr10-71690557-A-G. GRCh37 (hg19) VCF-style: chr10-73450314-A-G.
Other names: c.2149A>G, p.Thr717Ala (NM_001171930.2, NM_001171931.2); short protein forms T717A.
Identifiers: ClinVar variation 45888 (VCV000045888.4), dbSNP rs397517314, ClinGen allele CA137311.
Genomic context (GRCh38, chr10:71,690,557, plus strand): 5'-GACCTGGACCGCTCCCGGGAGTACGGCCAGGAGTCCATCATCTACTCCTTGGAAGGCTCC[A>G]CCCAGTTTCGGATCAATGCCCGCTCAGGTGAGCCCCCCCACCCCAAGTACCCTGGTCCTC-3'
Protein context (NP_071407.4, residues 707-727): ESIIYSLEGS[Thr717Ala]QFRINARSGE

ClinVar aggregate classification (germline): Likely benign (1 of 4 stars; one submission).

Allele frequency attached by ClinVar (database versions not stated): gnomAD exomes below 0.00001; TOPMed below 0.00001.
gnomAD v4.1: 2 of 1,606,814 alleles (0.00012%); highest among the groups gnomAD compares: Non-Finnish European, 0.00017%; no homozygotes.

Submission:

Laboratory for Molecular Medicine, Mass General Brigham Personalized Medicine
Classification: Likely benign. Last evaluated: 2011-10-14. Review status: criteria provided, single submitter. Criteria: LMM Criteria. Collection method: clinical testing. Allele origin: germline. Observed: 1 variant allele.
Comment: Thr717Ala in exon 20 of CDH23: This variant is not expected to have clinical sig nificance because computational analyses (PolyPhen2, SIFT, AlignGVGD) do not sug gest a high likelihood of impact to the protein, primarily based upon a lack of conservation across species including mammals. Of note, orangutan, macaque, and rhesus have analanine (Ala) at this position despite high nearby amino acid cons ervation.